The following is an entry in ClinVar:

NM_001457.4(FLNB):c.5714C>T (p.Thr1905Ile)

Gene: FLNB (filamin B; plus strand). Cytogenetic location: 3p14.3.
Variant type: single nucleotide variant.
Coding change: c.5714C>T on transcript NM_001457.4 (MANE Select); coding-DNA position 5714, C replaced by T.
Protein change: p.Thr1905Ile; replaces threonine 1905 with isoleucine.
Molecular consequence: missense variant.
Genome position (GRCh38, 1-based): chr3:58,146,979, C>T. VCF-style: chr3-58146979-C-T. GRCh37 (hg19) VCF-style: chr3-58132706-C-T.
Other names: c.5807C>T, p.Thr1936Ile (NM_001164317.2); c.5681C>T, p.Thr1894Ile (NM_001164318.2); c.5642C>T, p.Thr1881Ile (NM_001164319.2); short protein forms T1881I, T1894I, T1905I, T1936I.
Identifiers: ClinVar variation 2825955 (VCV002825955.3), dbSNP rs759231623, ClinGen allele CA2469133.

ClinVar aggregate classification (germline): Uncertain significance (1 of 4 stars; one submission).

Allele frequency attached by ClinVar (database versions not stated): gnomAD exomes 0.00001; ExAC 0.00002.
gnomAD v4.1: 9 of 1,614,032 alleles (0.00056%); highest among the groups gnomAD compares: Non-Finnish European, 0.00059%; no homozygotes.

Submission:

Labcorp Genetics (formerly Invitae), Labcorp
Classification: Uncertain significance. Last evaluated: 2026-01-04. Review status: criteria provided, single submitter. Criteria: Invitae Variant Classification Sherloc (09022015). Collection method: clinical testing. Allele origin: germline.
Comment: This sequence change replaces threonine, which is neutral and polar, with isoleucine, which is neutral and non-polar, at codon 1905 of the FLNB protein (p.Thr1905Ile). This variant is present in population databases (rs759231623, gnomAD 0.003%). This variant has not been reported in the literature in individuals affected with FLNB-related conditions. ClinVar contains an entry for this variant (Variation ID: 2825955). Invitae Evidence Modeling of protein sequence and biophysical properties (such as structural, functional, and spatial information, amino acid conservation, physicochemical variation, residue mobility, and thermodynamic stability) indicates that this missense variant is not expected to disrupt FLNB protein function with a negative predictive value of 95%. In summary, the available evidence is currently insufficient to determine the role of this variant in disease. Therefore, it has been classified as a Variant of Uncertain Significance.